The following is an entry in ClinVar:

ClinVar aggregate classification (germline): Uncertain significance (1 of 4 stars; one submission).

Conditions:
Gorlin syndrome. Also called: Nevoid Basal Cell Carcinoma Syndrome; Basal cell nevus syndrome. Identifiers: Orphanet 377, MedGen C0004779, MONDO:0007187.

Submission:

Labcorp Genetics (formerly Invitae), Labcorp
Classification: Uncertain significance for Gorlin syndrome. Last evaluated: 2023-01-14. Review status: criteria provided, single submitter. Criteria: Invitae Variant Classification Sherloc (09022015). Collection method: clinical testing. Allele origin: germline.
Comment: This sequence change creates a premature translational stop signal (p.Ser1203Glnfs*17) in the PTCH1 gene. While this is not anticipated to result in nonsense mediated decay, it is expected to disrupt the last 245 amino acid(s) of the PTCH1 protein. This variant is not present in population databases (gnomAD no frequency). This variant has not been reported in the literature in individuals affected with PTCH1-related conditions. Experimental studies and prediction algorithms are not available or were not evaluated, and the functional significance of this variant is currently unknown. In summary, the available evidence is currently insufficient to determine the role of this variant in disease. Therefore, it has been classified as a Variant of Uncertain Significance.

NM_000264.5(PTCH1):c.3606dup (p.Ser1203fs)

Gene: PTCH1 (patched 1; minus strand). Cytogenetic location: 9q22.32.
Variant type: Duplication.
Coding change: c.3606dup on transcript NM_000264.5 (MANE Select); coding-DNA position 3606, one base duplicated (C; older notation c.3606dupC).
Protein change: p.Ser1203fs; shifts the reading frame from serine 1203.
Molecular consequence: frameshift variant. On other transcripts: non-coding transcript variant (1).
Genome position (GRCh38, 1-based): chr9:95,449,267, G duplicated on the plus strand (C on the coding strand, the reverse complement: PTCH1 is on the minus strand); the first of 6 consecutive G bases (chr9:95,449,267-95,449,272); duplicating any one gives the same sequence. VCF-style (leftmost placement, unchanged base first): chr9-95449266-T-TG. GRCh37 (hg19) VCF-style: chr9-98211548-T-TG.
Other names: c.3408dup, p.Ser1137fs (NM_001083602.3); c.3603dup, p.Ser1202fs (NM_001083603.3); c.3153dup, p.Ser1052fs (NM_001083604.3, NM_001083605.3, NM_001083606.3 and 1 more transcripts); c.3450dup, p.Ser1151fs (NM_001354918.2); short protein forms S1052fs, S1137fs, S1151fs, S1203fs, S1202fs.
Identifiers: ClinVar variation 2828563 (VCV002828563.3), dbSNP rs2538015524, ClinGen allele CA589581012.